The following is an entry in ClinVar:

NM_003611.3(OFD1):c.935+688G>A

Gene: OFD1 (OFD1 centriole and centriolar satellite protein; plus strand). Cytogenetic location: Xp22.2.
Variant type: single nucleotide variant.
Coding change: c.935+688G>A on transcript NM_003611.3 (MANE Select); 688 bases into the intron after coding-DNA position 935, G replaced by A.
Molecular consequence: intron variant.
Genome position (GRCh38, 1-based): chrX:13,750,221, G>A. VCF-style: chrX-13750221-G-A. GRCh37 (hg19) VCF-style: chrX-13768340-G-A.
Other names: c.515+688G>A (NM_001330210.2); c.935+688G>A (NM_001330209.2).
Identifiers: ClinVar variation 3053928 (VCV003053928.3), dbSNP rs963740869, ClinGen allele CA326116442.
Genomic context (GRCh38, chrX:13,750,221, plus strand): 5'-TCACTTCTATAGGCTTGATTTGTTTGATTTCAACTCTCTGTCTACCTTACTCTCTTTTTG[G>A]CAATAATGAAAAGGTAAATTGATCAAGAGAGAGGAAATAGGCACAAAATTGGGGCAGAGA-3'

ClinVar aggregate classification (germline): Likely benign. Review status: criteria provided, single submitter (1 of 4 stars). 2 submissions from 2 submitters: Likely benign (1). 1 of the submissions does not count toward it. Last evaluated 2024-11-28.

Conditions:
OFD1-related disorder. Also called: OFD1-related condition.

Allele frequency attached by ClinVar (database versions not stated): TOPMed 0.00015; gnomAD 0.00016.
gnomAD v4.1: 19 of 111,521 alleles (0.017%); highest among the groups gnomAD compares: Non-Finnish European, 0.034%; no homozygotes.

Submissions (2):

Blueprint Genetics
Classification: Likely benign. Last evaluated: 2024-11-28. Review status: criteria provided, single submitter. Criteria: ACMG Guidelines, 2015. Collection method: clinical testing. Allele origin: germline.

PreventionGenetics, part of Exact Sciences
Classification: Likely benign for OFD1-related condition. Last evaluated: 2021-06-17. Review status: no assertion criteria provided. Collection method: clinical testing. Allele origin: germline. Not counted in ClinVar's aggregate classification.
Comment: This variant is classified as likely benign based on ACMG/AMP sequence variant interpretation guidelines (Richards et al. 2015 PMID: 25741868, with internal and published modifications).